The following is an entry in ClinVar:

ClinVar aggregate classification (germline): Uncertain significance (1 of 4 stars; one submission).

Conditions:
Familial dysautonomia. Also called: FD; HSAN III. Identifiers: Orphanet 1764, MedGen C0013364, MONDO:0009131, OMIM 223900. Disease mechanism: loss of function.

Submission:

Myriad Genetics, Inc.
Classification: Uncertain significance for Familial dysautonomia. Last evaluated: 2026-03-10. Review status: criteria provided, single submitter. Criteria: Myriad Autosomal Dominant, Autosomal Recessive and X-Linked Classification Criteria (2023). Collection method: clinical testing. Allele origin: unknown.
Comment: NM_003640.3(ELP1):c.3932-1G>A is a variant in a canonical splice site classified as a variant of uncertain significance in the context of familial dysautonomia. c.3932-1G>A has not been observed in cases with relevant disease. Relevant functional assessments of this variant are not available in the literature. c.3932-1G>A has not been observed in referenced population frequency databases. In summary, there is insufficient evidence to classify NM_003640.3(ELP1):c.3932-1G>A as pathogenic or benign. Please note: this variant was assessed in the context of healthy population screening.

NM_003640.5(ELP1):c.3932-1G>A

Gene: ELP1 (elongator acetyltransferase complex subunit 1; minus strand). Cytogenetic location: 9q31.3.
Variant type: single nucleotide variant.
Coding change: c.3932-1G>A on transcript NM_003640.5 (MANE Select); the canonical splice acceptor site of the intron before coding-DNA position 3932, G replaced by A.
Molecular consequence: splice acceptor variant.
Genome position (GRCh38, 1-based): chr9:108,869,183, C>T on the plus strand (G>A on the coding strand, the complement: ELP1 is on the minus strand). VCF-style: chr9-108869183-C-T. GRCh37 (hg19) VCF-style: chr9-111631463-C-T.
Other names: c.3590-1G>A (NM_001318360.2); c.2885-1G>A (NM_001330749.2).
Identifiers: ClinVar variation 5003464 (VCV005003464.1).